The following is an entry in ClinVar:

NM_001160372.4(TRAPPC9):c.3411C>A (p.Pro1137=)

Gene: TRAPPC9 (trafficking protein particle complex subunit 9; minus strand). Cytogenetic location: 8q24.3.
Variant type: single nucleotide variant.
Coding change: c.3411C>A on transcript NM_001160372.4 (MANE Select); coding-DNA position 3411, C replaced by A.
Protein change: p.Pro1137=; no amino-acid change (proline 1137 retained).
Molecular consequence: synonymous variant. On other transcripts: non-coding transcript variant (1).
Genome position (GRCh38, 1-based): chr8:139,731,097, G>T on the plus strand (C>A on the coding strand, the complement: TRAPPC9 is on the minus strand). VCF-style: chr8-139731097-G-T. GRCh37 (hg19) VCF-style: chr8-140743340-G-T.
Other names: c.3705C>A (NM_031466.7); c.3384C>A, p.Pro1128= (NM_001321646.2); c.3432C>A, p.Pro1144= (NM_001374682.1); c.3300C>A, p.Pro1100= (NM_001374683.1); c.3267C>A, p.Pro1089= (NM_001374684.1); c.3411C>A, p.Pro1137= (NM_031466.8).
Identifiers: ClinVar variation 362061 (VCV000362061.23), dbSNP rs373979305, ClinGen allele CA4892713.
Genomic context (GRCh38, chr8:139,731,097, plus strand): 5'-AAAGAGGGACGGAAGTAGGCGGGCTCAGGCCTGCGCCTCCAGGGCACACACGTGCACACT[G>T]GGCAGGCAGAACCAAGAGGGTGGCAGCTCCTTGCTGGTGCTGTCCTCGTGGAACCGGATG-3'
Protein context (NP_001153844.1, residues 1127-1147): KELPPSWFCL[Pro1137=]SVHVCALEAQ

ClinVar aggregate classification (germline): Conflicting classifications of pathogenicity. Review status: criteria provided, conflicting classifications (1 of 4 stars). 4 submissions from 4 submitters: Uncertain significance (1); Likely benign (2). 1 of the submissions does not count toward it. Last evaluated 2025-10-25.

Conditions:
TRAPPC9-related disorder. Also called: TRAPPC9-related condition.
Inborn genetic diseases. Identifiers: MedGen C0950123, MeSH D030342.

Allele frequency attached by ClinVar (database versions not stated): ESP Exome Variant Server 0.00008; 1000 Genomes Project 30x 0.00016; 1000 Genomes Project 0.00020; gnomAD 0.00022; gnomAD exomes 0.00026 and 0.00028; ExAC 0.00030; TOPMed 0.00040.
gnomAD v4.1: 404 of 1,613,748 alleles (0.025%); highest among the groups gnomAD compares: Admixed American, 0.032%; no homozygotes.

Submissions (4):

Labcorp Genetics (formerly Invitae), Labcorp
Classification: Likely benign. Last evaluated: 2025-10-25. Review status: criteria provided, single submitter. Criteria: Invitae Variant Classification Sherloc (09022015). Collection method: clinical testing. Allele origin: germline.

Ambry Genetics
Classification: Likely benign for Inborn genetic diseases. Last evaluated: 2018-01-18. Review status: criteria provided, single submitter. Criteria: Ambry Variant Classification Scheme 2023. Collection method: clinical testing. Allele origin: germline.

Genetic Services Laboratory, University of Chicago
Classification: Uncertain significance. Last evaluated: 2016-12-16. Review status: criteria provided, single submitter. Criteria: ACMG Guidelines, 2015. Collection method: clinical testing. Allele origin: germline. Affected: no.

PreventionGenetics, part of Exact Sciences
Classification: Likely benign for TRAPPC9-related condition. Last evaluated: 2022-05-10. Review status: no assertion criteria provided. Collection method: clinical testing. Allele origin: germline. Not counted in ClinVar's aggregate classification.
Comment: This variant is classified as likely benign based on ACMG/AMP sequence variant interpretation guidelines (Richards et al. 2015 PMID: 25741868, with internal and published modifications).